The following is an entry in ClinVar:

NM_001377.3(DYNC2H1):c.9193G>T (p.Glu3065Ter)

Gene: DYNC2H1 (dynein cytoplasmic 2 heavy chain 1; plus strand). Cytogenetic location: 11q22.3.
Variant type: single nucleotide variant.
Coding change: c.9193G>T on transcript NM_001377.3 (MANE Select); coding-DNA position 9193, G replaced by T.
Protein change: p.Glu3065Ter; replaces glutamic acid 3065 with a stop codon.
Molecular consequence: nonsense.
Genome position (GRCh38, 1-based): chr11:103,222,115, G>T. VCF-style: chr11-103222115-G-T. GRCh37 (hg19) VCF-style: chr11-103092844-G-T.
Other names: c.9193G>T, p.Glu3065Ter (NM_001080463.2); short protein forms E3065*.
Identifiers: ClinVar variation 5014407 (VCV005014407.1).

ClinVar aggregate classification (germline): Pathogenic (1 of 4 stars; one submission).

Conditions:
Asphyxiating thoracic dystrophy 3. Also called: SHORT-RIB THORACIC DYSPLASIA 3 WITH OR WITHOUT POLYDACTYLY; POLYDACTYLY WITH NEONATAL CHONDRODYSTROPHY, TYPE I; SHORT-RIB THORACIC DYSPLASIA 3/6 WITH POLYDACTYLY, DIGENIC; Short rib polydactyly syndrome 2B; Saldino-Noonan Syndrome. Identifiers: Orphanet 474, Orphanet 93269, Orphanet 93270, Orphanet 93271, MedGen C0036069, MONDO:0013127, OMIM 613091.

Submission:

Myriad Genetics, Inc.
Classification: Pathogenic for Asphyxiating thoracic dystrophy 3. Last evaluated: 2025-05-08. Review status: criteria provided, single submitter. Criteria: Myriad Autosomal Dominant, Autosomal Recessive and X-Linked Classification Criteria (2023). Collection method: clinical testing. Allele origin: unknown.
Comment: NM_001377.2(DYNC2H1):c.9193G>T(E3065*) is expected to be pathogenic in the context of DYNC2H1-related disorders. This variant is predicted to lead to an abnormal or absent protein product due to the creation of a premature termination codon in DYNC2H1, a gene where loss-of-function variants are known to be pathogenic. Please note: this variant was assessed in the context of healthy population screening.